The following is an entry in ClinVar:

NM_005535.3(IL12RB1):c.1561C>T (p.Arg521Ter)

Gene: IL12RB1 (interleukin 12 receptor subunit beta 1; minus strand). Cytogenetic location: 19p13.11.
Variant type: single nucleotide variant.
Coding change: c.1561C>T on transcript NM_005535.3 (MANE Select); coding-DNA position 1561, C replaced by T.
Protein change: p.Arg521Ter; replaces arginine 521 with a stop codon.
Molecular consequence: nonsense.
Genome position (GRCh38, 1-based): chr19:18,063,933, G>A on the plus strand (C>T on the coding strand, the complement: IL12RB1 is on the minus strand). VCF-style: chr19-18063933-G-A. GRCh37 (hg19) VCF-style: chr19-18174743-G-A.
Other names: c.1561C>T, p.Arg521Ter (NM_001290023.2); c.1681C>T, p.Arg561Ter (NM_001290024.2); short protein forms R521*, R561*.
Identifiers: ClinVar variation 1526194 (VCV001526194.4), dbSNP rs991981668, ClinGen allele CA306160909.

ClinVar aggregate classification (germline): Pathogenic. Review status: criteria provided, multiple submitters, no conflicts (2 of 4 stars). 2 submissions from 2 submitters: Pathogenic (2). Last evaluated 2024-10-22.

Conditions:
Mendelian susceptibility to mycobacterial diseases due to complete IL12RB1 deficiency. Also called: IL12RB1 DEFICIENCY; Immunodeficiency 30. Identifiers: Orphanet 319552, MedGen C4013949, MONDO:0013955, OMIM 614891.

gnomAD v4.1: 13 of 1,613,118 alleles (0.00081%); highest among the groups gnomAD compares: African/African-American, 0.012%; no homozygotes.

Submissions (2):

Labcorp Genetics (formerly Invitae), Labcorp
Classification: Pathogenic for Mendelian susceptibility to mycobacterial diseases due to complete IL12RB1 deficiency. Last evaluated: 2024-10-22. Review status: criteria provided, single submitter. Criteria: Invitae Variant Classification Sherloc (09022015). Collection method: clinical testing. Allele origin: germline.
Comment: This sequence change creates a premature translational stop signal (p.Arg521*) in the IL12RB1 gene. It is expected to result in an absent or disrupted protein product. Loss-of-function variants in IL12RB1 are known to be pathogenic (PMID: 9603733, 12591909). This variant is present in population databases (no rsID available, gnomAD 0.02%). This premature translational stop signal has been observed in individual(s) with IL12RB1-related conditions (PMID: 21057261, 29995221). ClinVar contains an entry for this variant (Variation ID: 1526194). Algorithms developed to predict the effect of sequence changes on RNA splicing suggest that this variant may disrupt the consensus splice site. For these reasons, this variant has been classified as Pathogenic.

3billion
Classification: Pathogenic for Mendelian susceptibility to mycobacterial diseases due to complete IL12RB1 deficiency. Last evaluated: 2022-03-22. Review status: criteria provided, single submitter. Criteria: ACMG Guidelines, 2015. Collection method: clinical testing. Allele origin: germline. Affected: yes. Observed: 1 homozygote.
Comment: Stop-gained (nonsense): predicted to result in a loss or disruption of normal protein function through nonsense-mediated decay (NMD) or protein truncation. Multiple pathogenic variants are reported downstream of the variant. This variant has been reported to be associated with IL12RB1 related disorder (PMID:21057261). The variant is observed at an extremely low frequency in the gnomAD v2.1.1 dataset (total allele frequency:0.0000121). Therefore, this variant is classified as pathogenic according to the recommendation of ACMG/AMP guideline.

Literature cited by the submitters: PubMed 9603733 (cited by Labcorp Genetics (formerly Invitae), Labcorp); PubMed 12591909 (cited by Labcorp Genetics (formerly Invitae), Labcorp); PubMed 21057261 (cited by Labcorp Genetics (formerly Invitae), Labcorp and 3billion); PubMed 29995221 (cited by Labcorp Genetics (formerly Invitae), Labcorp).